The following is an entry in ClinVar:

NM_001845.6(COL4A1):c.3313G>T (p.Val1105Phe)

Gene: COL4A1 (collagen type IV alpha 1 chain; minus strand). Cytogenetic location: 13q34.
Variant type: single nucleotide variant.
Coding change: c.3313G>T on transcript NM_001845.6 (MANE Select); coding-DNA position 3313, G replaced by T.
Protein change: p.Val1105Phe; replaces valine 1105 with phenylalanine.
Molecular consequence: missense variant.
Genome position (GRCh38, 1-based): chr13:110,174,635, C>A on the plus strand (G>T on the coding strand, the complement: COL4A1 is on the minus strand). VCF-style: chr13-110174635-C-A. GRCh37 (hg19) VCF-style: chr13-110826982-C-A.
Other names: short protein forms V1105F.
Identifiers: ClinVar variation 2440310 (VCV002440310.6), dbSNP rs759578991, ClinGen allele CA7047318.
Genomic context (GRCh38, chr13:110,174,635, plus strand): 5'-TTTGATTTCTTAGATTCCCCAAGTCCAAGAGAAGCCCCCCTCACCTACCTGGATAGCCAA[C>A]ACTCCCGGGAGACCCTTTAAGGCCTGGGGACCCTGGCATTCCTGGGATCCCAATGCTTCC-3'
Protein context (NP_001836.3, residues 1095-1115): SPGLKGSPGS[Val1105Phe]GYPGSPGLPG

ClinVar aggregate classification (germline): Uncertain significance. Review status: criteria provided, multiple submitters, no conflicts (2 of 4 stars). 2 submissions from 2 submitters: Uncertain significance (2). Last evaluated 2025-05-23.

Allele frequency attached by ClinVar (database versions not stated): ExAC 0.00001; gnomAD 0.00002; gnomAD exomes below 0.00001; TOPMed 0.00002.
gnomAD v4.1: 9 of 1,614,060 alleles (0.00056%); highest among the groups gnomAD compares: Non-Finnish European, 0.00076%; no homozygotes.

Submissions (2):

Labcorp Genetics (formerly Invitae), Labcorp
Classification: Uncertain significance. Last evaluated: 2025-05-23. Review status: criteria provided, single submitter. Criteria: Invitae Variant Classification Sherloc (09022015). Collection method: clinical testing. Allele origin: germline.
Comment: This sequence change replaces valine, which is neutral and non-polar, with phenylalanine, which is neutral and non-polar, at codon 1105 of the COL4A1 protein (p.Val1105Phe). This variant is present in population databases (rs759578991, gnomAD 0.002%). This variant has not been reported in the literature in individuals affected with COL4A1-related conditions. ClinVar contains an entry for this variant (Variation ID: 2440310). Invitae Evidence Modeling of protein sequence and biophysical properties (such as structural, functional, and spatial information, amino acid conservation, physicochemical variation, residue mobility, and thermodynamic stability) indicates that this missense variant is not expected to disrupt COL4A1 protein function with a negative predictive value of 95%. In summary, the available evidence is currently insufficient to determine the role of this variant in disease. Therefore, it has been classified as a Variant of Uncertain Significance.

Revvity Omics, Revvity
Classification: Uncertain significance. Last evaluated: 2022-06-09. Review status: criteria provided, single submitter. Criteria: ACMG Guidelines, 2015. Collection method: clinical testing. Allele origin: germline.